The following is an entry in ClinVar:

ClinVar aggregate classification (germline): Conflicting classifications of pathogenicity. Review status: criteria provided, conflicting classifications (1 of 4 stars). 5 submissions from 5 submitters: Uncertain significance (1); Likely benign (4). Last evaluated 2025-11-12.

Conditions:
Developmental and epileptic encephalopathy, 1 (DEE1). Also called: Epileptic encephalopathy, early infantile, 1; X-linked infantile spasms; West's syndrome; Tonic spasms with clustering, arrest of psychomotor development and hypsarrhythmia on EEG; X-Linked Infantile Spasm Syndrome; OHTAHARA SYNDROME, X-LINKED. Identifiers: MedGen C3463992, MONDO:0010632, OMIM 308350. Disease mechanism: loss of function.
Intellectual disability, X-linked, with or without seizures, ARX-related. Also called: MENTAL RETARDATION, X-LINKED 29; MENTAL RETARDATION, X-LINKED 32; MENTAL RETARDATION, X-LINKED 33; MENTAL RETARDATION, X-LINKED 38; MENTAL RETARDATION, X-LINKED 43; MENTAL RETARDATION, X-LINKED 76. Identifiers: Orphanet 777, MedGen C0796244, MONDO:0010317, OMIM 300419.
Inborn genetic diseases. Identifiers: MedGen C0950123, MeSH D030342.

Allele frequency attached by ClinVar (database versions not stated): gnomAD exomes 0.00002; gnomAD 0.00006 and 0.00008; TOPMed 0.00008.
gnomAD v4.1: 152 of 1,118,457 alleles (0.014%); highest among the groups gnomAD compares: African/African-American, 0.021%; 1 homozygote.

Submissions (5):

Labcorp Genetics (formerly Invitae), Labcorp
Classification: Likely benign for Developmental and epileptic encephalopathy, 1; Intellectual disability, X-linked, with or without seizures, ARX-related. Last evaluated: 2025-11-12. Review status: criteria provided, single submitter. Criteria: Invitae Variant Classification Sherloc (09022015). Collection method: clinical testing. Allele origin: germline.

CeGaT Center for Human Genetics Tuebingen
Classification: Likely benign. Last evaluated: 2025-08-01. Review status: criteria provided, single submitter. Criteria: CeGaT Center For Human Genetics Tuebingen Variant Classification Criteria Version 2. Collection method: clinical testing. Allele origin: germline. Affected: yes. Observed: 2 variant alleles.
Comment: ARX: BP4, BP7, BS2

GeneDx
Classification: Likely benign. Last evaluated: 2020-02-27. Review status: criteria provided, single submitter. Criteria: GeneDx Variant Classification Process June 2021. Collection method: clinical testing. Allele origin: germline. Affected: yes.

Ambry Genetics
Classification: Likely benign for Inborn genetic diseases. Last evaluated: 2016-09-07. Review status: criteria provided, single submitter. Criteria: Ambry Variant Classification Scheme 2023. Collection method: clinical testing. Allele origin: germline.

Eurofins Ntd Llc (ga)
Classification: Uncertain significance. Last evaluated: 2015-03-03. Review status: criteria provided, single submitter. Criteria: EGL Classification Definitions 2015. Collection method: clinical testing. Allele origin: germline. Observed: 1 variant allele, 1 hemizygote.

NM_139058.3(ARX):c.1269C>T (p.His423=)

Gene: ARX (aristaless related homeobox; minus strand). Cytogenetic location: Xp21.3.
Variant type: single nucleotide variant.
Coding change: c.1269C>T on transcript NM_139058.3 (MANE Select); coding-DNA position 1269, C replaced by T.
Protein change: p.His423=; no amino-acid change (histidine 423 retained).
Molecular consequence: synonymous variant.
Genome position (GRCh38, 1-based): chrX:25,007,290, G>A on the plus strand (C>T on the coding strand, the complement: ARX is on the minus strand). VCF-style: chrX-25007290-G-A. GRCh37 (hg19) VCF-style: chrX-25025407-G-A.
Identifiers: ClinVar variation 197372 (VCV000197372.46), dbSNP rs794727656, ClinGen allele CA245473.
Genomic context (GRCh38, chrX:25,007,290, plus strand): 5'-GCTCGGGAAGGCGGCGGCGGCGGCGGCGGCAGCGGCAGTCCAAGCGGAGTCGAGCGCCGG[G>A]TGGTGCGGAGGGAAGGGGCTGGCGTCCAGGTAGGGGCTGAGCGGGTGGGTGGCGGAGAGC-3'
Protein context (NP_620689.1, residues 413-433): YLDASPFPPH[His423=]PALDSAWTAA